The following is an entry in ClinVar:

ClinVar aggregate classification (germline): Uncertain significance (1 of 4 stars; one submission).

Submission:

GeneDx
Classification: Uncertain significance. Last evaluated: 2025-05-06. Review status: criteria provided, single submitter. Criteria: GeneDx Variant Classification Process June 2021. Collection method: clinical testing. Allele origin: germline. Affected: yes.
Comment: Not observed at significant frequency in large population cohorts (gnomAD); Has not been previously published as pathogenic or benign to our knowledge; Frameshift variant predicted to result in protein truncation or nonsense mediated decay in a gene for which loss-of-function is not an established mechanism of disease

NM_001007228.2(SPOP):c.106del (p.Trp36fs)

Gene: SPOP (speckle type BTB/POZ protein; minus strand). Cytogenetic location: 17q21.33.
Variant type: Deletion.
Coding change: c.106del on transcript NM_001007228.2 (MANE Select); coding-DNA position 106, one base deleted (T; older notation c.106delT).
Protein change: p.Trp36fs; shifts the reading frame from tryptophan 36.
Molecular consequence: frameshift variant.
Genome position (GRCh38, 1-based): chr17:49,622,040, A deleted on the plus strand (T on the coding strand, the reverse complement: SPOP is on the minus strand). VCF-style (leftmost placement, unchanged base first): chr17-49622039-CA-C. GRCh37 (hg19) VCF-style: chr17-47699401-CA-C.
Other names: c.106del, p.Trp36fs (NM_001007226.1, NM_001007227.1, NM_001007229.1 and 5 more transcripts); short protein forms W36fs.
Identifiers: ClinVar variation 4527907 (VCV004527907.1).
Genomic context (GRCh38, chr17:49,622,039, plus strand): 5'-GTAGAACTTTTAATGACTTCACCCATTTCCTCCCGGCAAAAGCTAAAGTTATTGATGGTC[CA>C]CATGTAGGAGAATTTCACTACCTTGATCTGTTGATAGAAAAACAGGAAGCAATTAAATAG-3'